The following is an entry in ClinVar:

NM_005876.5(SPEG):c.1841C>A (p.Pro614His)

Gene: SPEG (striated muscle enriched protein kinase; plus strand). Cytogenetic location: 2q35.
Variant type: single nucleotide variant.
Coding change: c.1841C>A on transcript NM_005876.5 (MANE Select); coding-DNA position 1841, C replaced by A.
Protein change: p.Pro614His; replaces proline 614 with histidine.
Molecular consequence: missense variant.
Genome position (GRCh38, 1-based): chr2:219,448,999, C>A. VCF-style: chr2-219448999-C-A. GRCh37 (hg19) VCF-style: chr2-220313721-C-A.
Other names: short protein forms P614H.
Identifiers: ClinVar variation 1464666 (VCV001464666.5), dbSNP rs546598705, ClinGen allele CA2125719.
Genomic context (GRCh38, chr2:219,448,999, plus strand): 5'-ACCAATTCCCGCTGACCCGGAGCAGAGCCATCCAGGAGTGCAGGAGCCCTGTGCCGCCCC[C>A]CGCCGCCGATCCCCCAGAGGCCAGGACGAAAGCACCCCCCGGTCGGAAGCGGGAGCCCCC-3'
Protein context (NP_005867.3, residues 604-624): IQECRSPVPP[Pro614His]AADPPEARTK

ClinVar aggregate classification (germline): Conflicting classifications of pathogenicity. Review status: criteria provided, conflicting classifications (1 of 4 stars). 3 submissions from 3 submitters: Uncertain significance (2); Likely benign (1). Last evaluated 2024-06-19.

Allele frequency attached by ClinVar (database versions not stated): 1000 Genomes Project 30x 0.00016; 1000 Genomes Project 0.00020.

Submissions (3):

Blueprint Genetics
Classification: Likely benign. Last evaluated: 2024-06-19. Review status: criteria provided, single submitter. Criteria: ACMG Guidelines, 2015. Collection method: clinical testing. Allele origin: germline.

Labcorp Genetics (formerly Invitae), Labcorp
Classification: Uncertain significance. Last evaluated: 2022-09-01. Review status: criteria provided, single submitter. Criteria: Invitae Variant Classification Sherloc (09022015). Collection method: clinical testing. Allele origin: germline.
Comment: This sequence change replaces proline, which is neutral and non-polar, with histidine, which is basic and polar, at codon 614 of the SPEG protein (p.Pro614His). This variant is present in population databases (rs546598705, gnomAD 0.1%), including at least one homozygous and/or hemizygous individual. This variant has not been reported in the literature in individuals affected with SPEG-related conditions. ClinVar contains an entry for this variant (Variation ID: 1464666). Algorithms developed to predict the effect of missense changes on protein structure and function are either unavailable or do not agree on the potential impact of this missense change (SIFT: "Deleterious"; PolyPhen-2: "Benign"; Align-GVGD: "Class C0"). In summary, the available evidence is currently insufficient to determine the role of this variant in disease. Therefore, it has been classified as a Variant of Uncertain Significance.

Breakthrough Genomics
Classification: Uncertain significance. Review status: criteria provided, single submitter. Criteria: ACMG Guidelines, 2015. Collection method: not provided. Allele origin: germline. Inheritance: Autosomal recessive inheritance. Affected: yes.